The following is an entry in ClinVar:

NM_000170.3(GLDC):c.2461A>G (p.Met821Val)

Gene: GLDC (glycine decarboxylase; minus strand). Cytogenetic location: 9p24.1.
Variant type: single nucleotide variant.
Coding change: c.2461A>G on transcript NM_000170.3 (MANE Select); coding-DNA position 2461, A replaced by G.
Protein change: p.Met821Val; replaces methionine 821 with valine.
Molecular consequence: missense variant.
Genome position (GRCh38, 1-based): chr9:6,550,911, T>C on the plus strand (A>G on the coding strand, the complement: GLDC is on the minus strand). VCF-style: chr9-6550911-T-C. GRCh37 (hg19) VCF-style: chr9-6550911-T-C.
Other names: short protein forms M821V.
Identifiers: ClinVar variation 4855274 (VCV004855274.1).

ClinVar aggregate classification (germline): Uncertain significance (1 of 4 stars; one submission).

Conditions:
Glycine encephalopathy 1 (GCE1). Identifiers: MedGen CN376801, MONDO:0958179, OMIM 605899.

Submission:

3billion
Classification: Uncertain significance for Glycine encephalopathy 1. Last evaluated: 2025-06-23. Review status: criteria provided, single submitter. Criteria: ACMG Guidelines, 2015. Collection method: clinical testing. Allele origin: germline. Affected: yes.
Comment: The variant is not observed in the gnomAD v4.1.0 dataset. Predicted Consequence/Location: Missense variant In silico tool predictions suggest damaging effect of the variant on gene or gene product [REVEL: 0.95 (>=0.6, sensitivity 0.68 and specificity 0.92)]. Different missense changes at the same codon have been reported as of uncertain significance (ClinVar ID: VCV002500391, VCV002143248). Therefore, this variant is classified as VUS according to the recommendation of ACMG/AMP guideline.